The following is an entry in ClinVar:

ClinVar aggregate classification (germline): Uncertain significance. Review status: criteria provided, multiple submitters, no conflicts (2 of 4 stars). 6 submissions from 6 submitters: Uncertain significance (6). Last evaluated 2025-06-24.

Conditions:
Aortic aneurysm, familial thoracic 4 (AAT4). Also called: AORTIC ANEURYSM/AORTIC DISSECTION AND PATENT DUCTUS ARTERIOSUS. Identifiers: MedGen C1851504, MONDO:0007568, OMIM 132900.
Visceral myopathy 2. Identifiers: MedGen C5543466, MONDO:0859157, OMIM 619350.
Megacystis-microcolon-intestinal hypoperistalsis syndrome 2. Identifiers: MedGen C5543476, MONDO:0025708, OMIM 619351.
Familial thoracic aortic aneurysm and aortic dissection (TAAD). Also called: Thoracic aortic aneurysms and dissections. Identifiers: Orphanet 91387, MedGen C4707243, MONDO:0019625.

Allele frequency attached by ClinVar (database versions not stated): gnomAD 0.00003; TOPMed 0.00005.

Submissions (6):

Labcorp Genetics (formerly Invitae), Labcorp
Classification: Uncertain significance for Aortic aneurysm, familial thoracic 4. Last evaluated: 2025-06-24. Review status: criteria provided, single submitter. Criteria: Invitae Variant Classification Sherloc (09022015). Collection method: clinical testing. Allele origin: germline.
Comment: This sequence change replaces alanine, which is neutral and non-polar, with threonine, which is neutral and polar, at codon 32 of the MYH11 protein (p.Ala32Thr). This variant is present in population databases (rs765295579, gnomAD 0.01%). This missense change has been observed in individuals with thoracic aortic aneurysm and dissection (PMID: 36517271). ClinVar contains an entry for this variant (Variation ID: 201094). Invitae Evidence Modeling of protein sequence and biophysical properties (such as structural, functional, and spatial information, amino acid conservation, physicochemical variation, residue mobility, and thermodynamic stability) indicates that this missense variant is not expected to disrupt MYH11 protein function with a negative predictive value of 95%. In summary, the available evidence is currently insufficient to determine the role of this variant in disease. Therefore, it has been classified as a Variant of Uncertain Significance.

Ambry Genetics
Classification: Uncertain significance for Familial thoracic aortic aneurysm and aortic dissection. Last evaluated: 2024-07-02. Review status: criteria provided, single submitter. Criteria: Ambry Variant Classification Scheme 2023. Collection method: clinical testing. Allele origin: germline.
Comment: The p.A32T variant (also known as c.94G>A), located in coding exon 1 of the MYH11 gene, results from a G to A substitution at nucleotide position 94. The alanine at codon 32 is replaced by threonine, an amino acid with similar properties. This amino acid position is well conserved in available vertebrate species. In addition, this alteration is predicted to be tolerated by in silico analysis. Based on the available evidence, the clinical significance of this variant remains unclear.

All of Us Research Program, National Institutes of Health
Classification: Uncertain significance for Familial thoracic aortic aneurysm and aortic dissection. Last evaluated: 2023-09-04. Review status: criteria provided, single submitter. Criteria: ACMG Guidelines, 2015. Collection method: clinical testing. Allele origin: germline. Inheritance: Autosomal dominant inheritance. Observed: 3 variant alleles, 3 heterozygotes.
Comment: This missense variant replaces alanine with threonine at codon 32 of the MYH11 protein. Computational prediction tools and conservation analyses are inconclusive regarding the impact of this variant on the protein function. Computational splicing tools suggest that this variant may not impact RNA splicing. To our knowledge, functional assays have not been performed for this variant nor has this variant been reported in individuals affected with cardiovascular disorders in the literature. This variant has been identified in 6/250446 chromosomes in the general population by the Genome Aggregation Database (gnomAD). Available evidence is insufficient to determine the role of this variant in disease conclusively. Therefore, this variant is classified as a Variant of Uncertain Significance.

This study involves interpretation of variants in research participants for the purpose of population health screening. Participant phenotype was not available at the time of variant classification. Additional details can be found in publication PMID: 35346344, PMCID: PMC8962531

Color Diagnostics, LLC DBA Color Health
Classification: Uncertain significance for Familial thoracic aortic aneurysm and aortic dissection. Last evaluated: 2023-08-23. Review status: criteria provided, single submitter. Criteria: ACMG Guidelines, 2015. Collection method: clinical testing. Allele origin: germline.
Comment: This missense variant replaces alanine with threonine at codon 32 of the MYH11 protein. Computational prediction suggests that this variant may not impact protein structure and function (internally defined REVEL score threshold <= 0.5, PMID: 27666373). To our knowledge, functional studies have not been reported for this variant. This variant has not been reported in individuals affected with MYH11-related disorders in the literature. This variant has been identified in 6/250446 chromosomes in the general population by the Genome Aggregation Database (gnomAD). The available evidence is insufficient to determine the role of this variant in disease conclusively. Therefore, this variant is classified as a Variant of Uncertain Significance.

Fulgent Genetics
Classification: Uncertain significance for Aortic aneurysm, familial thoracic 4; Visceral myopathy 2; Megacystis-microcolon-intestinal hypoperistalsis syndrome 2. Last evaluated: 2021-08-20. Review status: criteria provided, single submitter. Criteria: ACMG Guidelines, 2015. Collection method: clinical testing. Allele origin: unknown.

GeneDx
Classification: Uncertain significance. Last evaluated: 2019-06-06. Review status: criteria provided, single submitter. Criteria: GeneDx Variant Classification Process June 2021. Collection method: clinical testing. Allele origin: germline. Affected: yes.
Comment: Has not been previously published as pathogenic or benign to our knowledge; Not observed at a significant frequency in large population cohorts (Lek et al., 2016); In silico analysis, which includes protein predictors and evolutionary conservation, supports that this variant does not alter protein structure/function

Literature cited by the submitters: PubMed 36517271 (cited by Labcorp Genetics (formerly Invitae), Labcorp).

NM_002474.3(MYH11):c.94G>A (p.Ala32Thr)

Gene: MYH11 (myosin heavy chain 11; minus strand). Cytogenetic location: 16p13.11.
Variant type: single nucleotide variant.
Coding change: c.94G>A on transcript NM_002474.3 (MANE Select); coding-DNA position 94, G replaced by A.
Protein change: p.Ala32Thr; replaces alanine 32 with threonine.
Molecular consequence: missense variant.
Genome position (GRCh38, 1-based): chr16:15,838,159, C>T on the plus strand (G>A on the coding strand, the complement: MYH11 is on the minus strand). VCF-style: chr16-15838159-C-T. GRCh37 (hg19) VCF-style: chr16-15932016-C-T.
Other names: p.A32T:GCC>ACC; c.94G>A, p.Ala32Thr (NM_001040113.2, NM_001040114.2, NM_022844.3); short protein forms A32T.
Identifiers: ClinVar variation 201094 (VCV000201094.20), dbSNP rs765295579, ClinGen allele CA306625.